The following is an entry in ClinVar:

NM_000080.4(CHRNE):c.587_588del (p.Thr196fs)

Genes: C17orf107 (chromosome 17 open reading frame 107; plus strand), CHRNE (cholinergic receptor nicotinic epsilon subunit; minus strand). Cytogenetic location: 17p13.2.
Variant type: Microsatellite.
Coding change: c.587_588del on transcript NM_000080.4 (MANE Select); coding-DNA positions 587 to 588, 2 bases deleted (CA; older notation c.587_588delCA).
Protein change: p.Thr196fs; shifts the reading frame from threonine 196.
Molecular consequence: frameshift variant. On other transcripts: 3 prime UTR variant (1).
Genome position (GRCh38, 1-based): chr17:4,901,538-4,901,539, TG deleted on the plus strand (CA on the coding strand, the reverse complement: CHRNE is on the minus strand); deleting any 2 consecutive bases within chr17:4,901,538-4,901,542 gives the same sequence; the c. name uses the placement nearest the transcript's 3' end. VCF-style (leftmost placement, unchanged base first): chr17-4901537-CTG-C. GRCh37 (hg19) VCF-style: chr17-4804832-CTG-C.
Other names: c.*1006GT[1] (NM_001145536.2); short protein forms T196fs.
Identifiers: ClinVar variation 450349 (VCV000450349.2), dbSNP rs1555546858, ClinGen allele CA658658527.

ClinVar aggregate classification (germline): Likely pathogenic (1 of 4 stars; one submission).

Submission:

GeneDx
Classification: Likely pathogenic. Last evaluated: 2018-08-08. Review status: criteria provided, single submitter. Criteria: GeneDx Variant Classification (06012015). Collection method: clinical testing. Allele origin: germline. Affected: yes.
Comment: The c.587_588delCA variant in the CHRNE gene has not been reported previously as a pathogenic variant nor as a benign variant, to our knowledge. The c.587_588delCA variant causes a frameshift starting with codon Threonine 196, changes this amino acid to an Arginine residue, and creates a premature Stop codon at position 5 of the new reading frame, denoted p.T196RfsX5. This variant is predicted to cause loss of normal protein function either through protein truncation or nonsense-mediated mRNA decay. The c.587_588delCA variant is not observed in large population cohorts (Lek et al., 2016; 1000 Genomes Consortium et al., 2015; Exome Variant Server). We interpret c.587_588delCA as a likely pathogenic variant